The following is an entry in ClinVar:

NM_024596.5(MCPH1):c.114+5G>A

Gene: MCPH1 (microcephalin 1; plus strand). Cytogenetic location: 8p23.1.
Variant type: single nucleotide variant.
Coding change: c.114+5G>A on transcript NM_024596.5 (MANE Select); 5 bases into the intron after coding-DNA position 114, G replaced by A.
Molecular consequence: intron variant.
Genome position (GRCh38, 1-based): chr8:6,409,375, G>A. VCF-style: chr8-6409375-G-A. GRCh37 (hg19) VCF-style: chr8-6266896-G-A.
Other names: c.114+5G>A (NM_001322042.2, NM_001363980.2, NM_001363979.1 and 3 more transcripts); c.108+5G>A (NM_001322043.2); c.12+5G>A (NM_001322045.2).
Identifiers: ClinVar variation 2142920 (VCV002142920.3), dbSNP rs778863774, ClinGen allele CA4610043.

ClinVar aggregate classification (germline): Uncertain significance. Review status: criteria provided, single submitter (1 of 4 stars). 2 submissions from 2 submitters: Uncertain significance (1). 1 of the submissions does not count toward it. Last evaluated 2022-02-17.

Conditions:
MCPH1-related disorder. Also called: MCPH1-related condition.

Allele frequency attached by ClinVar (database versions not stated): gnomAD 0.00001; gnomAD exomes 0.00001; TOPMed 0.00003; ExAC 0.00006.
gnomAD v4.1: 16 of 1,601,298 alleles (0.001%); highest among the groups gnomAD compares: East Asian, 0.025%; no homozygotes.

Submissions (2):

Labcorp Genetics (formerly Invitae), Labcorp
Classification: Uncertain significance. Last evaluated: 2022-02-17. Review status: criteria provided, single submitter. Criteria: Invitae Variant Classification Sherloc (09022015). Collection method: clinical testing. Allele origin: germline.
Comment: This sequence change falls in intron 2 of the MCPH1 gene. It does not directly change the encoded amino acid sequence of the MCPH1 protein. It affects a nucleotide within the consensus splice site. This variant is present in population databases (rs778863774, gnomAD 0.1%). This variant has not been reported in the literature in individuals affected with MCPH1-related conditions. Variants that disrupt the consensus splice site are a relatively common cause of aberrant splicing (PMID: 17576681, 9536098). Algorithms developed to predict the effect of sequence changes on RNA splicing suggest that this variant may disrupt the consensus splice site. In summary, the available evidence is currently insufficient to determine the role of this variant in disease. Therefore, it has been classified as a Variant of Uncertain Significance.

PreventionGenetics, part of Exact Sciences
Classification: Likely benign for MCPH1-related condition. Last evaluated: 2019-05-23. Review status: no assertion criteria provided. Collection method: clinical testing. Allele origin: germline. Not counted in ClinVar's aggregate classification.
Comment: This variant is classified as likely benign based on ACMG/AMP sequence variant interpretation guidelines (Richards et al. 2015 PMID: 25741868, with internal and published modifications).

Literature cited by the submitters: PubMed 17576681 (cited by Labcorp Genetics (formerly Invitae), Labcorp); PubMed 9536098 (cited by Labcorp Genetics (formerly Invitae), Labcorp).